The following is an entry in ClinVar:

NM_017654.4(SAMD9):c.1549del (p.Arg517fs)

Gene: SAMD9 (sterile alpha motif domain containing 9; minus strand). Cytogenetic location: 7q21.2.
Variant type: Deletion.
Coding change: c.1549del on transcript NM_017654.4 (MANE Select); coding-DNA position 1549, one base deleted (A; older notation c.1549delA).
Protein change: p.Arg517fs; shifts the reading frame from arginine 517.
Molecular consequence: frameshift variant.
Genome position (GRCh38, 1-based): chr7:93,104,549, T deleted on the plus strand (A on the coding strand, the reverse complement: SAMD9 is on the minus strand); the first of 3 consecutive T bases (chr7:93,104,549-93,104,551); deleting any one gives the same sequence. VCF-style (leftmost placement, unchanged base first): chr7-93104548-CT-C. GRCh37 (hg19) VCF-style: chr7-92733861-CT-C.
Other names: c.1549del, p.Arg517fs (NM_001193307.2); short protein forms R517fs.
Identifiers: ClinVar variation 1511808 (VCV001511808.9), dbSNP rs1167179816, ClinGen allele CA576706780.

ClinVar aggregate classification (germline): Uncertain significance. Review status: criteria provided, multiple submitters, no conflicts (2 of 4 stars). 2 submissions from 2 submitters: Uncertain significance (2). Last evaluated 2026-08-06.

Conditions:
MIRAGE syndrome. Also called: MYELODYSPLASIA, INFECTION, RESTRICTION OF GROWTH, ADRENAL HYPOPLASIA, GENITAL PHENOTYPES, AND ENTEROPATHY. Identifiers: Orphanet 494433, MedGen C4284088, MONDO:0014888, OMIM 617053.

Submissions (2):

OLLIN Analises Genomicas, OLLIN
Classification: Uncertain significance for MIRAGE syndrome. Last evaluated: 2026-08-06. Review status: criteria provided, single submitter. Criteria: ACMG Guidelines 2015 PMID 25741868. Collection method: clinical testing. Allele origin: germline. Inheritance: Autosomal dominant inheritance.
Comment: This frameshift variant, located in exon 3 (of 3), has been reported in ClinVar (accession VCV001511808.8) and in gnomAD with an allele frequency of 0.00025%. However, to our knowledge, it has not been reported in the scientific literature. This variant causes a frameshift and introduces a premature stop codon, which is predicted to result in either a truncated protein or degradation of the mRNA via nonsense-mediated decay (NMD). According to the currently available evidence, this variant has been classified as uncertain significance (PM2_P).

Labcorp Genetics (formerly Invitae), Labcorp
Classification: Uncertain significance. Last evaluated: 2024-02-23. Review status: criteria provided, single submitter. Criteria: Invitae Variant Classification Sherloc (09022015). Collection method: clinical testing. Allele origin: germline.
Comment: This sequence change creates a premature translational stop signal (p.Arg517Glufs*8) in the SAMD9 gene. While this is not anticipated to result in nonsense mediated decay, it is expected to disrupt the last 1073 amino acid(s) of the SAMD9 protein. This variant is present in population databases (no rsID available, gnomAD 0.0009%). This variant has not been reported in the literature in individuals affected with SAMD9-related conditions. ClinVar contains an entry for this variant (Variation ID: 1511808). Experimental studies and prediction algorithms are not available or were not evaluated, and the functional significance of this variant is currently unknown. In summary, the available evidence is currently insufficient to determine the role of this variant in disease. Therefore, it has been classified as a Variant of Uncertain Significance.